The following is an entry in ClinVar:

NM_000059.4(BRCA2):c.9429_9430del (p.Ser3144fs)

Gene: BRCA2 (BRCA2 DNA repair associated; plus strand). Cytogenetic location: 13q13.1.
Variant type: Deletion.
Coding change: c.9429_9430del on transcript NM_000059.4 (MANE Select); coding-DNA positions 9429 to 9430, 2 bases deleted (TT; older notation c.9429_9430delTT).
Protein change: p.Ser3144fs; shifts the reading frame from serine 3144.
Molecular consequence: frameshift variant.
Genome position (GRCh38, 1-based): chr13:32,394,861-32,394,862, TT deleted; deleting any 2 consecutive bases within chr13:32,394,858-32,394,862 gives the same sequence; the c. name uses the placement nearest the transcript's 3' end. VCF-style (leftmost placement, unchanged base first): chr13-32394857-ATT-A. GRCh37 (hg19) VCF-style: chr13-32968994-ATT-A.
Other names: 9654delTT; c.9429_9430delTT (NM_000059.3); short protein forms S3144fs.
Identifiers: ClinVar variation 254634 (VCV000254634.4), dbSNP rs80359762, ClinGen allele CA026150.

ClinVar aggregate classification (germline): Pathogenic. Review status: reviewed by expert panel (3 of 4 stars). 2 submissions from 2 submitters: Pathogenic (1). 1 of the submissions does not count toward it. Last evaluated 2016-09-08.

Conditions:
Breast-ovarian cancer, familial, susceptibility to, 2 (BROVCA2). Also called: BRCA2 Hereditary Breast and Ovarian Cancer. Identifiers: Orphanet 145, MedGen C2675520, MONDO:0012933, OMIM 612555. Disease mechanism: loss of function.

Submissions (2):

Evidence-based Network for the Interpretation of Germline Mutant Alleles (ENIGMA)
Classification: Pathogenic for Breast-ovarian cancer, familial, susceptibility to, 2. Last evaluated: 2016-09-08. Review status: reviewed by expert panel. Criteria: ENIGMA BRCA1/2 Classification Criteria (2015). Collection method: curation. Allele origin: germline.
Comment: Variant allele predicted to encode a truncated non-functional protein.

Breast Cancer Information Core (BIC) (BRCA2)
Classification: Pathogenic for Breast-ovarian cancer, familial 2. Review status: no assertion criteria provided. Collection method: clinical testing. Allele origin: unknown. Affected: yes. Observed: 1 variant allele. Not counted in ClinVar's aggregate classification.